The following is an entry in ClinVar:

NM_198407.2(GHSR):c.440T>A (p.Phe147Tyr)

Gene: GHSR (growth hormone secretagogue receptor; minus strand). Cytogenetic location: 3q26.31.
Variant type: single nucleotide variant.
Coding change: c.440T>A on transcript NM_198407.2 (MANE Select); coding-DNA position 440, T replaced by A.
Protein change: p.Phe147Tyr; replaces phenylalanine 147 with tyrosine.
Molecular consequence: missense variant.
Genome position (GRCh38, 1-based): chr3:172,447,974, A>T on the plus strand (T>A on the coding strand, the complement: GHSR is on the minus strand). VCF-style: chr3-172447974-A-T. GRCh37 (hg19) VCF-style: chr3-172165764-A-T.
Other names: c.440T>A, p.Phe147Tyr (NM_004122.2); short protein forms F147Y.
Identifiers: ClinVar variation 1962623 (VCV001962623.7), dbSNP rs201085948, ClinGen allele CA2706471.

ClinVar aggregate classification (germline): Conflicting classifications of pathogenicity. Review status: criteria provided, conflicting classifications (1 of 4 stars). 3 submissions from 3 submitters: Uncertain significance (2); Likely benign (1). Last evaluated 2025-09-05.

Conditions:
Inborn genetic diseases. Identifiers: MedGen C0950123, MeSH D030342.

Allele frequency attached by ClinVar (database versions not stated): gnomAD exomes 0.00002; gnomAD 0.00006; TOPMed 0.00006; ExAC 0.00007; 1000 Genomes Project 30x 0.00031; 1000 Genomes Project 0.00040.
gnomAD v4.1: 31 of 1,614,102 alleles (0.0019%); highest among the groups gnomAD compares: East Asian, 0.065%; no homozygotes.

Submissions (3):

Women's Health and Genetics/Laboratory Corporation of America, LabCorp
Classification: Uncertain significance. Last evaluated: 2025-09-05. Review status: criteria provided, single submitter. Criteria: LabCorp Variant Classification Summary - May 2015. Collection method: clinical testing. Allele origin: germline.
Comment: Variant summary: GHSR c.440T>A (p.Phe147Tyr) results in a conservative amino acid change in the encoded protein sequence. Algorithms developed to predict the effect of missense changes on protein structure and function are either unavailable or do not agree on the potential impact of this missense change. The variant allele was found at a frequency of 7.6e-05 in 251038 control chromosomes. This frequency is not significantly higher than estimated for disease-causing variants in GHSR, allowing no conclusion about variant significance. To our knowledge, no occurrence of c.440T>A in individuals affected with GHSR-related conditions and no experimental evidence demonstrating its impact on protein function have been reported. ClinVar contains an entry for this variant (Variation ID: 1962623). Based on the evidence outlined above, the variant was classified as uncertain significance.

Ambry Genetics
Classification: Uncertain significance for Inborn genetic diseases. Last evaluated: 2023-09-22. Review status: criteria provided, single submitter. Criteria: Ambry Variant Classification Scheme 2023. Collection method: clinical testing. Allele origin: germline.

Labcorp Genetics (formerly Invitae), Labcorp
Classification: Likely benign. Last evaluated: 2022-07-20. Review status: criteria provided, single submitter. Criteria: Invitae Variant Classification Sherloc (09022015). Collection method: clinical testing. Allele origin: germline.